The following is an entry in ClinVar:

NM_032861.4(SERAC1):c.1126C>T (p.Gln376Ter)

Gene: SERAC1 (serine active site containing 1; minus strand). Cytogenetic location: 6q25.3.
Variant type: single nucleotide variant.
Coding change: c.1126C>T on transcript NM_032861.4 (MANE Select); coding-DNA position 1126, C replaced by T.
Protein change: p.Gln376Ter; replaces glutamine 376 with a stop codon.
Molecular consequence: nonsense. On other transcripts: non-coding transcript variant (1).
Genome position (GRCh38, 1-based): chr6:158,120,465, G>A on the plus strand (C>T on the coding strand, the complement: SERAC1 is on the minus strand). VCF-style: chr6-158120465-G-A. GRCh37 (hg19) VCF-style: chr6-158541497-G-A.
Other names: short protein forms Q376*.
Identifiers: ClinVar variation 215142 (VCV000215142.10), dbSNP rs199632531, ClinGen allele CA319919.

ClinVar aggregate classification (germline): Pathogenic. Review status: criteria provided, multiple submitters, no conflicts (2 of 4 stars). 4 submissions from 4 submitters: Pathogenic (4). Last evaluated 2025-10-13.

Conditions:
3-methylglutaconic aciduria with deafness, encephalopathy, and Leigh-like syndrome (MEGDEL). Also called: SERAC1 Deficiency; 3-METHYLGLUTACONIC ACIDURIA, TYPE VI; MEGDEL syndrome. Identifiers: Orphanet 352328, MedGen C4040739, MONDO:0013875, OMIM 614739.

Allele frequency attached by ClinVar (database versions not stated): gnomAD exomes below 0.00001; gnomAD 0.00001; TOPMed 0.00001.
gnomAD v4.1: 7 of 1,613,802 alleles (0.00043%); highest among the groups gnomAD compares: Non-Finnish European, 0.00051%; no homozygotes.

Submissions (4):

GeneDx
Classification: Pathogenic. Last evaluated: 2025-10-13. Review status: criteria provided, single submitter. Criteria: GeneDx Variant Classification Process June 2021. Collection method: clinical testing. Allele origin: germline. Affected: yes.
Comment: Nonsense variant predicted to result in protein truncation or nonsense mediated decay in a gene for which loss of function is a known mechanism of disease; Not observed at significant frequency in large population cohorts (gnomAD); Has not been previously published as pathogenic or benign to our knowledge.

Labcorp Genetics (formerly Invitae), Labcorp
Classification: Pathogenic for 3-methylglutaconic aciduria with deafness, encephalopathy, and Leigh-like syndrome. Last evaluated: 2024-10-21. Review status: criteria provided, single submitter. Criteria: Invitae Variant Classification Sherloc (09022015). Collection method: clinical testing. Allele origin: germline.
Comment: This sequence change creates a premature translational stop signal (p.Gln376*) in the SERAC1 gene. It is expected to result in an absent or disrupted protein product. Loss-of-function variants in SERAC1 are known to be pathogenic (PMID: 22683713). This variant is not present in population databases (gnomAD no frequency). This variant has not been reported in the literature in individuals affected with SERAC1-related conditions. ClinVar contains an entry for this variant (Variation ID: 215142). Algorithms developed to predict the effect of sequence changes on RNA splicing suggest that this variant may disrupt the consensus splice site. For these reasons, this variant has been classified as Pathogenic.

Genome-Nilou Lab
Classification: Pathogenic for 3-methylglutaconic aciduria with deafness, encephalopathy, and Leigh-like syndrome. Last evaluated: 2022-03-15. Review status: criteria provided, single submitter. Criteria: ACMG Guidelines, 2015. Collection method: clinical testing. Allele origin: germline. Affected: no.

Elsea Laboratory, Baylor College of Medicine
Classification: Pathogenic for 3-methylglutaconic aciduria with deafness, encephalopathy, and Leigh-like syndrome. Last evaluated: 2020-04-01. Review status: criteria provided, single submitter. Criteria: ACMG Guidelines, 2015. Collection method: clinical testing. Allele origin: maternal. Affected: no.

Literature cited by the submitters: PubMed 22683713 (cited by Labcorp Genetics (formerly Invitae), Labcorp).